The following is an entry in ClinVar:

NM_153717.3(EVC):c.222dup (p.Thr75fs)

Gene: EVC (EvC ciliary complex subunit 1; plus strand). Cytogenetic location: 4p16.2.
Variant type: Duplication.
Coding change: c.222dup on transcript NM_153717.3 (MANE Select); coding-DNA position 222, one base duplicated (G; older notation c.222dupG).
Protein change: p.Thr75fs; shifts the reading frame from threonine 75.
Molecular consequence: frameshift variant.
Genome position (GRCh38, 1-based): chr4:5,719,295, G duplicated. VCF-style (leftmost placement, unchanged base first): chr4-5719294-A-AG. GRCh37 (hg19) VCF-style: chr4-5721021-A-AG.
Other names: c.222dup, p.Thr75fs (NM_001306090.2, NM_001306092.2); short protein forms T75fs.
Identifiers: ClinVar variation 4816930 (VCV004816930.1).

ClinVar aggregate classification (germline): Likely pathogenic (1 of 4 stars; one submission).

Conditions:
Ellis-van Creveld syndrome (EVC). Also called: Chondroectodermal dysplasia; EVC-Related Ellis-van Creveld Syndrome; EVC2-Related Ellis-van Creveld Syndrome; MESOECTODERMAL DYSPLASIA. Identifiers: Orphanet 289, MedGen C0013903, MONDO:0009162, OMIM 225500.

Submission:

Natera, Inc.
Classification: Likely pathogenic for Ellis-van Creveld syndrome. Last evaluated: 2024-12-16. Review status: criteria provided, single submitter. Criteria: Natera Variant Classification Schema (03/2026). Collection method: clinical testing. Allele origin: germline.
Comment: The c.222dup variant in EVC is a frameshift variant predicted to shift the reading frame beginning at codon 75 and leads to a stop codon 26 codons downstream. This variant is expected to result in nonsense mediated decay, truncation, or a dysfunctional protein product. This variant is rare in the general population with a frequency below the threshold expected for the associated phenotype(s). Given the available evidence, this variant is classified as Likely Pathogenic.